The following is an entry in ClinVar:

ClinVar aggregate classification (germline): Uncertain significance. Review status: criteria provided, multiple submitters, no conflicts (2 of 4 stars). 3 submissions from 3 submitters: Uncertain significance (3). Last evaluated 2025-02-02.

Conditions:
Inborn genetic diseases. Identifiers: MedGen C0950123, MeSH D030342.
Fanconi anemia (FA). Also called: Fanconi's anemia. Identifiers: Orphanet 84, MedGen C0015625, MeSH D005199, MONDO:0019391.
FANCA-related disorder. Also called: FANCA-related condition.

Allele frequency attached by ClinVar (database versions not stated): TOPMed 0.00001.

Submissions (3):

Ambry Genetics
Classification: Uncertain significance for Inborn genetic diseases. Last evaluated: 2025-02-02. Review status: criteria provided, single submitter. Criteria: Ambry Variant Classification Scheme 2023. Collection method: clinical testing. Allele origin: germline.
Comment: The p.V433A variant (also known as c.1298T>C), located in coding exon 14 of the FANCA gene, results from a T to C substitution at nucleotide position 1298. The valine at codon 433 is replaced by alanine, an amino acid with similar properties. This amino acid position is conserved. In addition, the in silico prediction for this alteration is inconclusive. Based on the available evidence, the clinical significance of this variant remains unclear.

PreventionGenetics, part of Exact Sciences
Classification: Uncertain significance for FANCA-related condition. Last evaluated: 2022-09-01. Review status: criteria provided, single submitter. Criteria: ACMG Guidelines, 2015. Collection method: clinical testing. Allele origin: germline.
Comment: The FANCA c.1298T>C variant is predicted to result in the amino acid substitution p.Val433Ala. To our knowledge, this variant has not been reported in the literature or in a large population database, indicating this variant is rare. This variant has been interpreted as uncertain in ClinVar. At this time, the clinical significance of this variant is uncertain due to the absence of conclusive functional and genetic evidence.

Labcorp Genetics (formerly Invitae), Labcorp
Classification: Uncertain significance for Fanconi anemia. Last evaluated: 2021-09-01. Review status: criteria provided, single submitter. Criteria: Invitae Variant Classification Sherloc (09022015). Collection method: clinical testing. Allele origin: germline.
Comment: This sequence change replaces valine with alanine at codon 433 of the FANCA protein (p.Val433Ala). The valine residue is weakly conserved and there is a small physicochemical difference between valine and alanine. This variant is not present in population databases (ExAC no frequency). This variant has not been reported in the literature in individuals affected with FANCA-related conditions. Algorithms developed to predict the effect of missense changes on protein structure and function are either unavailable or do not agree on the potential impact of this missense change (SIFT: "Deleterious"; PolyPhen-2: "Benign"; Align-GVGD: "Class C0"). In summary, the available evidence is currently insufficient to determine the role of this variant in disease. Therefore, it has been classified as a Variant of Uncertain Significance.

NM_000135.4(FANCA):c.1298T>C (p.Val433Ala)

Gene: FANCA (FA complementation group A; minus strand). Cytogenetic location: 16q24.3.
Variant type: single nucleotide variant.
Coding change: c.1298T>C on transcript NM_000135.4 (MANE Select); coding-DNA position 1298, T replaced by C.
Protein change: p.Val433Ala; replaces valine 433 with alanine.
Molecular consequence: missense variant.
Genome position (GRCh38, 1-based): chr16:89,791,464, A>G on the plus strand (T>C on the coding strand, the complement: FANCA is on the minus strand). VCF-style: chr16-89791464-A-G. GRCh37 (hg19) VCF-style: chr16-89857872-A-G.
Other names: c.1298T>C, p.Val433Ala (NM_001286167.3); short protein forms V433A.
Identifiers: ClinVar variation 849097 (VCV000849097.8), dbSNP rs1015816469, ClinGen allele CA286592101.